The following is an entry in ClinVar:

ClinVar aggregate classification (germline): Uncertain significance (1 of 4 stars; one submission).

gnomAD v4.1: 3 of 1,614,092 alleles (0.00019%); highest among the groups gnomAD compares: Non-Finnish European, 0.00025%; no homozygotes.

Submission:

Labcorp Genetics (formerly Invitae), Labcorp
Classification: Uncertain significance. Last evaluated: 2024-06-11. Review status: criteria provided, single submitter. Criteria: Invitae Variant Classification Sherloc (09022015). Collection method: clinical testing. Allele origin: germline.
Comment: This sequence change replaces threonine, which is neutral and polar, with alanine, which is neutral and non-polar, at codon 624 of the NCSTN protein (p.Thr624Ala). The frequency data for this variant in the population databases is considered unreliable, as metrics indicate poor data quality at this position in the gnomAD database. This variant has not been reported in the literature in individuals affected with NCSTN-related conditions. Advanced modeling of protein sequence and biophysical properties (such as structural, functional, and spatial information, amino acid conservation, physicochemical variation, residue mobility, and thermodynamic stability) performed at Invitae indicates that this missense variant is not expected to disrupt NCSTN protein function with a negative predictive value of 80%. In summary, the available evidence is currently insufficient to determine the role of this variant in disease. Therefore, it has been classified as a Variant of Uncertain Significance.

NM_015331.3(NCSTN):c.1870A>G (p.Thr624Ala)

Gene: NCSTN (nicastrin; plus strand). Cytogenetic location: 1q23.2.
Variant type: single nucleotide variant.
Coding change: c.1870A>G on transcript NM_015331.3 (MANE Select); coding-DNA position 1870, A replaced by G.
Protein change: p.Thr624Ala; replaces threonine 624 with alanine.
Molecular consequence: missense variant. On other transcripts: intron variant (1).
Genome position (GRCh38, 1-based): chr1:160,357,116, A>G. VCF-style: chr1-160357116-A-G. GRCh37 (hg19) VCF-style: chr1-160326906-A-G.
Other names: c.1810A>G, p.Thr604Ala (NM_001290184.2); c.1456A>G, p.Thr486Ala (NM_001290186.2); c.1794+362A>G (NM_001349729.2); short protein forms T486A, T604A, T624A.
Identifiers: ClinVar variation 3656262 (VCV003656262.2).